The following is an entry in ClinVar:

ClinVar aggregate classification (germline): Uncertain significance. Review status: criteria provided, multiple submitters, no conflicts (2 of 4 stars). 2 submissions from 2 submitters: Uncertain significance (2). Last evaluated 2025-12-03.

Conditions:
Muscular dystrophy-dystroglycanopathy (congenital with brain and eye anomalies), type A, 7. Also called: WALKER-WARBURG SYNDROME OR MUSCLE-EYE-BRAIN DISEASE, ISPD-RELATED; Congenital muscular dystrophy-dystroglycanopathy with brain and eye anomalies, type A7. Identifiers: Orphanet 899, MedGen C3553330, MONDO:0013835, OMIM 614643.
Autosomal recessive limb-girdle muscular dystrophy type 2U. Also called: MUSCULAR DYSTROPHY, LIMB-GIRDLE, TYPE 2U; Muscular dystrophy-dystroglycanopathy (limb-girdle), type c, 7. Identifiers: Orphanet 352479, MedGen C5190987, MONDO:0014474, OMIM 616052.

gnomAD v4.1: 5 of 1,579,260 alleles (0.00032%); highest among the groups gnomAD compares: African/African-American, 0.0068%; no homozygotes.

Submissions (2):

Ambry Genetics
Classification: Uncertain significance. Last evaluated: 2025-12-03. Review status: criteria provided, single submitter. Criteria: Ambry Variant Classification Scheme 2023. Collection method: clinical testing. Allele origin: germline.

Labcorp Genetics (formerly Invitae), Labcorp
Classification: Uncertain significance for Muscular dystrophy-dystroglycanopathy (congenital with brain and eye anomalies), type A, 7; Autosomal recessive limb-girdle muscular dystrophy type 2U. Last evaluated: 2022-08-03. Review status: criteria provided, single submitter. Criteria: Invitae Variant Classification Sherloc (09022015). Collection method: clinical testing. Allele origin: germline.
Comment: In summary, the available evidence is currently insufficient to determine the role of this variant in disease. Therefore, it has been classified as a Variant of Uncertain Significance. Algorithms developed to predict the effect of missense changes on protein structure and function (SIFT, PolyPhen-2, Align-GVGD) all suggest that this variant is likely to be tolerated. This variant has not been reported in the literature in individuals affected with ISPD-related conditions. This variant is not present in population databases (gnomAD no frequency). This sequence change replaces threonine, which is neutral and polar, with isoleucine, which is neutral and non-polar, at codon 291 of the ISPD protein (p.Thr291Ile).

NM_001101426.4(CRPPA):c.872C>T (p.Thr291Ile)

Gene: CRPPA (CDP-L-ribitol pyrophosphorylase A; minus strand). Cytogenetic location: 7p21.2.
Variant type: single nucleotide variant.
Coding change: c.872C>T on transcript NM_001101426.4 (MANE Select); coding-DNA position 872, C replaced by T.
Protein change: p.Thr291Ile; replaces threonine 291 with isoleucine.
Molecular consequence: missense variant. On other transcripts: non-coding transcript variant (1).
Genome position (GRCh38, 1-based): chr7:16,278,190, G>A on the plus strand (C>T on the coding strand, the complement: CRPPA is on the minus strand). VCF-style: chr7-16278190-G-A. GRCh37 (hg19) VCF-style: chr7-16317815-G-A.
Other names: c.722C>T, p.Thr241Ile (NM_001101417.4); c.767C>T, p.Thr256Ile (NM_001368197.1); c.872C>T (NM_001101426.3); short protein forms T241I, T256I, T291I.
Identifiers: ClinVar variation 2073727 (VCV002073727.5), dbSNP rs764380983, ClinGen allele CA154748086.
Genomic context (GRCh38, chr7:16,278,190, plus strand): 5'-TTTAATTCACTTTTCAGCACTTCTTCAAGAAGATGACCTACATGTTTGTTATCTTCTTCT[G>A]TATCCATAACTACACAAATCTCTTGGGAAATTCTCTCTGAAATTAAAAAAAAAAAGTTTT-3'
Protein context (NP_001094896.1, residues 281-301): ISQEICVVMD[Thr291Ile]EEDNKHVGHL